The following is an entry in ClinVar:

ClinVar aggregate classification (germline): Benign/Likely benign. Review status: criteria provided, multiple submitters, no conflicts (2 of 4 stars). 6 submissions from 6 submitters: Benign (4); Likely benign (1). 1 of the submissions does not count toward it. Last evaluated 2026-02-03.

Conditions:
Inborn genetic diseases. Identifiers: MedGen C0950123, MeSH D030342.
Smith-Magenis syndrome (SMS). Also called: CHROMOSOME 17p11.2 DELETION SYNDROME. Identifiers: Orphanet 819, MedGen C0795864, MONDO:0008434, OMIM 182290.
RAI1-related disorder. Also called: RAI1-related condition.

Allele frequency attached by ClinVar (database versions not stated): gnomAD exomes 0.00309; ExAC 0.00414; gnomAD 0.01221 and 0.01318; TOPMed 0.01377; 1000 Genomes Project 0.01398; 1000 Genomes Project 30x 0.01577; ESP Exome Variant Server 0.01584.
gnomAD v4.1: 3,562 of 1,613,238 alleles (0.22%); highest among the groups gnomAD compares: African/African-American, 4.3%; 67 homozygotes.

Submissions (6):

Labcorp Genetics (formerly Invitae), Labcorp
Classification: Benign. Last evaluated: 2026-02-03. Review status: criteria provided, single submitter. Criteria: Invitae Variant Classification Sherloc (09022015). Collection method: clinical testing. Allele origin: germline.

Fulgent Genetics
Classification: Likely benign for Smith-Magenis syndrome. Last evaluated: 2022-05-11. Review status: criteria provided, single submitter. Criteria: ACMG Guidelines, 2015. Collection method: clinical testing. Allele origin: unknown.

GeneDx
Classification: Benign. Last evaluated: 2018-12-12. Review status: criteria provided, single submitter. Criteria: GeneDx Variant Classification Process June 2021. Collection method: clinical testing. Allele origin: germline. Affected: yes.

Ambry Genetics
Classification: Benign for Inborn genetic diseases. Last evaluated: 2016-06-23. Review status: criteria provided, single submitter. Criteria: Ambry Variant Classification Scheme 2023. Collection method: clinical testing. Allele origin: germline.

Breakthrough Genomics
Classification: Benign. Review status: criteria provided, single submitter. Criteria: ACMG Guidelines, 2015. Collection method: not provided. Allele origin: germline. Inheritance: Autosomal dominant inheritance. Affected: yes.

PreventionGenetics, part of Exact Sciences
Classification: Benign for RAI1-related condition. Last evaluated: 2019-05-08. Review status: no assertion criteria provided. Collection method: clinical testing. Allele origin: germline. Not counted in ClinVar's aggregate classification.
Comment: This variant is classified as benign based on ACMG/AMP sequence variant interpretation guidelines (Richards et al. 2015 PMID: 25741868, with internal and published modifications).

NM_030665.4(RAI1):c.1894C>T (p.Leu632=)

Gene: RAI1 (retinoic acid induced 1; plus strand). Cytogenetic location: 17p11.2.
Variant type: single nucleotide variant.
Coding change: c.1894C>T on transcript NM_030665.4 (MANE Select); coding-DNA position 1894, C replaced by T.
Protein change: p.Leu632=; no amino-acid change (leucine 632 retained).
Molecular consequence: synonymous variant.
Genome position (GRCh38, 1-based): chr17:17,794,842, C>T. VCF-style: chr17-17794842-C-T. GRCh37 (hg19) VCF-style: chr17-17698156-C-T.
Identifiers: ClinVar variation 588082 (VCV000588082.18), dbSNP rs61736754, ClinGen allele CA8418421.